The following is an entry in ClinVar:

ClinVar aggregate classification (germline): Uncertain significance. Review status: criteria provided, multiple submitters, no conflicts (2 of 4 stars). 3 submissions from 3 submitters: Uncertain significance (3). Last evaluated 2025-04-29.

Conditions:
Familial hypocalciuric hypercalcemia (FHH). Also called: Familial benign hypercalcemia. Identifiers: Orphanet 405, MedGen C1809471, MONDO:0018458.
Autosomal dominant hypocalcemia 1 (HYPOC1). Also called: HYPOCALCEMIA, FAMILIAL. Identifiers: MedGen C3715128, MONDO:0011013, OMIM 601198.
Nephrolithiasis/nephrocalcinosis. Identifiers: MedGen CN580796.
Familial hypocalciuric hypercalcemia 1. Also called: Hypercalcemia, familial benign type 1. Identifiers: Orphanet 405, Orphanet 93372, MedGen C0342637, MONDO:0007791, OMIM 145980.
Neonatal severe primary hyperparathyroidism. Identifiers: Orphanet 417, MedGen C1832615, MONDO:0009397, OMIM 239200.
Epilepsy, idiopathic generalized, susceptibility to, 8. Identifiers: MedGen C2752062, MONDO:0013032, OMIM 612899.

Allele frequency attached by ClinVar (database versions not stated): gnomAD exomes below 0.00001 and 0.00001.
gnomAD v4.1: 9 of 1,614,218 alleles (0.00056%); highest among the groups gnomAD compares: Admixed American, 0.0017%; no homozygotes.

Submissions (3):

Labcorp Genetics (formerly Invitae), Labcorp
Classification: Uncertain significance for Familial hypocalciuric hypercalcemia; Autosomal dominant hypocalcemia 1. Last evaluated: 2025-04-29. Review status: criteria provided, single submitter. Criteria: Invitae Variant Classification Sherloc (09022015). Collection method: clinical testing. Allele origin: germline.
Comment: This sequence change replaces threonine, which is neutral and polar, with methionine, which is neutral and non-polar, at codon 263 of the CASR protein (p.Thr263Met). This variant is present in population databases (rs201456938, gnomAD 0.003%). This missense change has been observed in individual(s) with hypocalciuric hypercalcemia (PMID: 20164288, 26963950). ClinVar contains an entry for this variant (Variation ID: 859953). An algorithm developed to predict the effect of missense changes on protein structure and function (PolyPhen-2) suggests that this variant is likely to be disruptive. Experimental studies have shown that this missense change affects CASR function (PMID: 20164288). In summary, the available evidence is currently insufficient to determine the role of this variant in disease. Therefore, it has been classified as a Variant of Uncertain Significance.

Ambry Genetics
Classification: Uncertain significance for Nephrolithiasis/nephrocalcinosis. Last evaluated: 2024-06-27. Review status: criteria provided, single submitter. Criteria: Ambry Variant Classification Scheme 2023. Collection method: clinical testing. Allele origin: germline.
Comment: The p.T263M variant (also known as c.788C>T), located in coding exon 3 of the CASR gene, results from a C to T substitution at nucleotide position 788. The threonine at codon 263 is replaced by methionine, an amino acid with similar properties. This alteration has been identified in individuals diagnosed with familial hypocalciuric hypercalcemia (FHH) (Guarnieri V et al. J Clin Endocrinol Metab, 2010 Apr;95:1819-29; Vargas-Poussou R et al. J Clin Endocrinol Metab, 2016 05;101:2185-95; Ritter A et al. Am J Kidney Dis, 2021 06;77:A13-A15). This alteration also had significantly reduced cell surface expression (ELISA) and MAP kinase activation (ERK1/2 phosphorylation) compared to wild-type control and internal likely benign variants (Guarnieri V et al. J Clin Endocrinol Metab, 2010 Apr;95:1819-29). This amino acid position is highly conserved in available vertebrate species. In addition, this alteration is predicted to be deleterious by in silico analysis. Based on the available evidence, the clinical significance of this variant remains unclear.

Fulgent Genetics
Classification: Uncertain significance for Familial hypocalciuric hypercalcemia 1; Neonatal severe primary hyperparathyroidism; Autosomal dominant hypocalcemia 1; Epilepsy, idiopathic generalized, susceptibility to, 8. Last evaluated: 2021-12-02. Review status: criteria provided, single submitter. Criteria: ACMG Guidelines, 2015. Collection method: clinical testing. Allele origin: unknown.

Literature cited by the submitters: PubMed 20164288 (cited by Labcorp Genetics (formerly Invitae), Labcorp and Ambry Genetics); PubMed 26963950 (cited by Labcorp Genetics (formerly Invitae), Labcorp and Ambry Genetics); PubMed 34024353 (cited by Ambry Genetics).

NM_000388.4(CASR):c.788C>T (p.Thr263Met)

Gene: CASR (calcium sensing receptor; plus strand). Cytogenetic location: 3q21.1.
Variant type: single nucleotide variant.
Coding change: c.788C>T on transcript NM_000388.4 (MANE Select); coding-DNA position 788, C replaced by T.
Protein change: p.Thr263Met; replaces threonine 263 with methionine.
Molecular consequence: missense variant.
Genome position (GRCh38, 1-based): chr3:122,261,823, C>T. VCF-style: chr3-122261823-C-T. GRCh37 (hg19) VCF-style: chr3-121980670-C-T.
Other names: c.788C>T, p.Thr263Met (NM_001178065.2); short protein forms T263M.
Identifiers: ClinVar variation 859953 (VCV000859953.12), dbSNP rs201456938, ClinGen allele CA2569535.
Genomic context (GRCh38, chr3:122,261,823, plus strand): 5'-TCTCCCAGTACTCTGATGAGGAAGAGATCCAGCATGTGGTAGAGGTGATTCAAAATTCCA[C>T]GGCCAAAGTCATCGTGGTTTTCTCCAGTGGCCCAGATCTTGAGCCCCTCATCAAGGAGAT-3'
Protein context (NP_000379.3, residues 253-273): QHVVEVIQNS[Thr263Met]AKVIVVFSSG